The following is an entry in ClinVar:

NM_020964.3(EPG5):c.2272A>G (p.Thr758Ala)

Gene: EPG5 (ectopic P-granules 5 autophagy tethering factor; minus strand). Cytogenetic location: 18q21.1.
Variant type: single nucleotide variant.
Coding change: c.2272A>G on transcript NM_020964.3 (MANE Select); coding-DNA position 2272, A replaced by G.
Protein change: p.Thr758Ala; replaces threonine 758 with alanine.
Molecular consequence: missense variant.
Genome position (GRCh38, 1-based): chr18:45,930,816, T>C on the plus strand (A>G on the coding strand, the complement: EPG5 is on the minus strand). VCF-style: chr18-45930816-T-C. GRCh37 (hg19) VCF-style: chr18-43510782-T-C.
Other names: short protein forms T758A.
Identifiers: ClinVar variation 1448666 (VCV001448666.7), dbSNP rs2145819702, ClinGen allele CA402347454.

ClinVar aggregate classification (germline): Uncertain significance (1 of 4 stars; one submission).

Conditions:
Vici syndrome (VICIS). Identifiers: Orphanet 1493, MedGen C1855772, MONDO:0009452, OMIM 242840.

gnomAD v4.1: 1 of 1,594,460 alleles (0.000063%); highest among the groups gnomAD compares: South Asian, 0.0012%; no homozygotes.

Submission:

Labcorp Genetics (formerly Invitae), Labcorp
Classification: Uncertain significance for Vici syndrome. Last evaluated: 2022-08-23. Review status: criteria provided, single submitter. Criteria: Invitae Variant Classification Sherloc (09022015). Collection method: clinical testing. Allele origin: germline.
Comment: Algorithms developed to predict the effect of missense changes on protein structure and function output the following: SIFT: "Tolerated"; PolyPhen-2: "Benign"; Align-GVGD: "Class C0". The alanine amino acid residue is found in multiple mammalian species, which suggests that this missense change does not adversely affect protein function. This sequence change replaces threonine, which is neutral and polar, with alanine, which is neutral and non-polar, at codon 758 of the EPG5 protein (p.Thr758Ala). This variant is not present in population databases (gnomAD no frequency). This variant has not been reported in the literature in individuals affected with EPG5-related conditions. ClinVar contains an entry for this variant (Variation ID: 1448666). In summary, the available evidence is currently insufficient to determine the role of this variant in disease. Therefore, it has been classified as a Variant of Uncertain Significance.